The following is an entry in ClinVar:

NM_006949.4(STXBP2):c.1621G>A (p.Gly541Ser)

Gene: STXBP2 (syntaxin binding protein 2; plus strand). Cytogenetic location: 19p13.2.
Variant type: single nucleotide variant.
Coding change: c.1621G>A on transcript NM_006949.4 (MANE Select); coding-DNA position 1621, G replaced by A.
Protein change: p.Gly541Ser; replaces glycine 541 with serine.
Molecular consequence: missense variant. On other transcripts: non-coding transcript variant (1).
Genome position (GRCh38, 1-based): chr19:7,647,436, G>A. VCF-style: chr19-7647436-G-A. GRCh37 (hg19) VCF-style: chr19-7712322-G-A.
Other names: c.1612G>A, p.Gly538Ser (NM_001127396.3); c.1654G>A, p.Gly552Ser (NM_001272034.2); short protein forms G541S, G552S, G538S.
Identifiers: ClinVar variation 30219 (VCV000030219.41), dbSNP rs61736587, ClinGen allele CA260033.

ClinVar aggregate classification (germline): Pathogenic/Likely pathogenic. Review status: criteria provided, multiple submitters, no conflicts (2 of 4 stars). 16 submissions from 16 submitters: Pathogenic (11); Likely pathogenic (3). 2 of the submissions do not count toward it. Last evaluated 2026-01-26.

Conditions:
STXBP2-related disorder. Also called: STXBP2-related condition.
Autoinflammatory syndrome. Identifiers: Orphanet 93665, MedGen C3890737, MONDO:0019751.
Familial hemophagocytic lymphohistiocytosis (FHL). Also called: Hereditary hemophagocytic lymphohistiocytosis; Familial erythrophagocytic lymphohistiocytosis; Familial histiocytic reticulosis. Identifiers: Orphanet 158038, Orphanet 540, MedGen C0272199, MONDO:0015541.
Familial hemophagocytic lymphohistiocytosis 5. Also called: STXBP2-Related Familial Hemophagocytic Lymphohistiocytosis (STXBP2-fHLH). Identifiers: Orphanet 540, MedGen C2751293, MONDO:0013135, OMIM 613101.

Allele frequency attached by ClinVar (database versions not stated): ExAC 0.00024; TOPMed 0.00021; ESP Exome Variant Server 0.00008.
gnomAD v4.1: 541 of 1,613,346 alleles (0.034%); highest among the groups gnomAD compares: Non-Finnish European, 0.043%; no homozygotes.

Submissions (16):

Labcorp Genetics (formerly Invitae), Labcorp
Classification: Pathogenic for Familial hemophagocytic lymphohistiocytosis 5. Last evaluated: 2026-01-26. Review status: criteria provided, single submitter. Criteria: Invitae Variant Classification Sherloc (09022015). Collection method: clinical testing. Allele origin: germline.
Comment: This sequence change replaces glycine, which is neutral and non-polar, with serine, which is neutral and polar, at codon 541 of the STXBP2 protein (p.Gly541Ser). This variant is present in population databases (rs61736587, gnomAD 0.05%). This missense change has been observed in individuals with hemophagocytic lymphohistiocytosis type 5 (PMID: 20558610, 20798128, 20823128). ClinVar contains an entry for this variant (Variation ID: 30219). Invitae Evidence Modeling of protein sequence and biophysical properties (such as structural, functional, and spatial information, amino acid conservation, physicochemical variation, residue mobility, and thermodynamic stability) indicates that this missense variant is expected to disrupt STXBP2 protein function with a positive predictive value of 95%. Experimental studies have shown that this missense change affects STXBP2 function (PMID: 20798128, 24194549). For these reasons, this variant has been classified as Pathogenic.

Dasa
Classification: Pathogenic. Last evaluated: 2025-08-12. Review status: criteria provided, single submitter. Criteria: DASA Assertion Criteria. Collection method: clinical testing. Allele origin: germline.
Comment: NM_006949.4(STXBP2):c.1621G>A (p.Gly541Ser) is a missense variant that results in the substitution of glycine with serine. This variant has been recurrently observed in affected individuals with related phenotype in a genotype context consistent with recessive disease (PMID: 20823128; PMID: 20558610; PMID: 22451424; PMID: 31664448; PMID: 31807395). Functional evidence supports a deleterious effect on the gene or gene product (PMID: 20823128; PMID: 20558610; PMID: 22451424; PMID: 31664448; PMID: 31807395). Multiple computational predictions support a deleterious effect on the gene or gene product. The variant is present at low frequency in population datasets. Based on the available data, this variant is classified as pathogenic.

Center for Genomic Medicine, Rigshospitalet, Copenhagen University Hospital
Classification: Pathogenic. Last evaluated: 2025-03-04. Review status: criteria provided, single submitter. Criteria: ACMG Guidelines, 2015. Collection method: clinical testing. Allele origin: germline.

3billion
Classification: Pathogenic for Familial hemophagocytic lymphohistiocytosis 5. Last evaluated: 2025-02-27. Review status: criteria provided, single submitter. Criteria: ACMG Guidelines, 2015. Collection method: clinical testing. Allele origin: germline. Affected: yes.
Comment: The variant is observed at an extremely low frequency in the gnomAD v4.1.0 dataset (total allele frequency: 0.034%). Predicted Consequence/Location: Missense variant. The majority of the known disease-causing variants of this gene are variants expected to result in premature termination of the protein. Functional studies provide strong evidence of the variant having a damaging effect on the gene or gene product (PMID: 20798128). In silico tool predictions suggest damaging effect of the variant on gene or gene product [REVEL: 0.97 (>=0.6, sensitivity 0.68 and specificity 0.92); 3Cnet: 0.98 (> 0.75, sensitivity 0.96 and precision 0.92)]. The same nucleotide change resulting in the same amino acid change has been previously reported as pathogenic/likely pathogenic with strong evidence (ClinVar ID: VCV000030219 /PMID: 20798128 /3billion dataset). Therefore, this variant is classified as Pathogenic according to the recommendation of ACMG/AMP guideline.

GeneDx
Classification: Pathogenic. Last evaluated: 2025-02-19. Review status: criteria provided, single submitter. Criteria: GeneDx Variant Classification Process June 2021. Collection method: clinical testing. Allele origin: germline. Affected: yes.
Comment: Published functional studies demonstrate the variant disrupts association of the protein with syntaxin 11, and functional assays show defective degranulation and cellular cytotoxicity (PMID: 20798128); In silico analysis supports that this missense variant has a deleterious effect on protein structure/function; This variant is associated with the following publications: (PMID: 20823128, 26320718, 23687090, 24194549, 32542393, 31589614, 35020838, 33162974, 20798128, 36706356, 20558610, 38259611, 22451424, Podvin2024[Preprint], 37647632)

Fulgent Genetics
Classification: Pathogenic for Familial hemophagocytic lymphohistiocytosis 5. Last evaluated: 2024-03-30. Review status: criteria provided, single submitter. Criteria: ACMG Guidelines, 2015. Collection method: clinical testing. Allele origin: germline.

Blueprint Genetics
Classification: Pathogenic for STXBP2-related disorders. Last evaluated: 2024-03-27. Review status: criteria provided, single submitter. Criteria: ACMG Guidelines, 2015. Collection method: clinical testing. Allele origin: germline. Affected: yes. Observed: 5 variant alleles.

Genetic Services Laboratory, University of Chicago
Classification: Likely pathogenic. Last evaluated: 2024-01-26. Review status: criteria provided, single submitter. Criteria: ACMG Guidelines, 2015. Collection method: clinical testing. Allele origin: germline. Affected: yes.
Comment: DNA sequence analysis of the STXBP2 gene demonstrated a sequence change, c.1621G>A, in exon 18 that results in an amino acid change, p.Gly541Ser. The p.Gly541Ser change affects a highly conserved amino acid residue located in a domain of the STXBP2 protein that is known to be functional. Functional studies of this variant suggest that this sequence change disrupts STXBP2 protein function (PMID: 20798128). The p.Gly541Ser substitution appears to be deleterious using several in-silico pathogenicity prediction tools (SIFT, PolyPhen2, Align GVGD, REVEL). This amino acid change has been described in the literature in the homozygous or compound heterozygous state in several individuals with familial HLH (PMID: 20798128, 22451424, 20823128). This sequence change has been described in the gnomAD database with a frequency of 0.03% in the overall population (dbSNP rs61736587). The p.Gly541Ser amino acid change occurs in a region of the STXBP2 gene where other missense sequence changes have been described in individuals with STXBP2-related disorders. These collective evidences indicate that this sequence change is likely pathogenic.

Women's Health and Genetics/Laboratory Corporation of America, LabCorp
Classification: Pathogenic for Familial hemophagocytic lymphohistiocytosis. Last evaluated: 2023-03-27. Review status: criteria provided, single submitter. Criteria: LabCorp Variant Classification Summary - May 2015. Collection method: clinical testing. Allele origin: germline.
Comment: Variant summary: STXBP2 c.1621G>A (p.Gly541Ser) results in a non-conservative amino acid change in the encoded protein sequence. Five of five in-silico tools predict a damaging effect of the variant on protein function. The variant allele was found at a frequency of 0.00023 in 248156 control chromosomes. This frequency is not significantly higher than estimated for a pathogenic variant in STXBP2 causing Familial Hemophagocytic Lymphohistiocytosis (0.00023 vs 0.0022), allowing no conclusion about variant significance. c.1621G>A has been reported in the literature as biallelic homozygous or compound heterozygous genotypes in multiple individuals affected with Familial Hemophagocytic Lymphohistiocytosis (example, Cetica_2010, Pagel_2012). These data indicate that the variant is very likely to be associated with disease. At least one publication reports experimental evidence evaluating an impact on protein function (Cetica_2012). The most pronounced variant effect results in a defective protein and by defective cytotoxicity by T lymphocytes. Nine clinical diagnostic laboratories have submitted clinical-significance assessments for this variant to ClinVar after 2014 without evidence for independent evaluation. All laboratories classified the variant as pathogenic/likely pathogenic. Based on the evidence outlined above, the variant was classified as pathogenic.

Greenwood Genetic Center Diagnostic Laboratories, Greenwood Genetic Center
Classification: Likely pathogenic for Familial hemophagocytic lymphohistiocytosis 5. Last evaluated: 2022-12-08. Review status: criteria provided, single submitter. Criteria: ACMG Guidelines, 2015. Collection method: clinical testing. Allele origin: germline. Affected: yes.
Comment: PS3, PM2, PP3

Genome Diagnostics Laboratory, The Hospital for Sick Children
Classification: Pathogenic for Autoinflammatory syndrome. Last evaluated: 2022-04-26. Review status: criteria provided, single submitter. Criteria: ACMG Guidelines, 2015. Collection method: clinical testing. Allele origin: germline. Affected: yes.

Revvity Omics, Revvity
Classification: Pathogenic for Familial hemophagocytic lymphohistiocytosis 5. Last evaluated: 2022-01-29. Review status: criteria provided, single submitter. Criteria: ACMG Guidelines, 2015. Collection method: clinical testing. Allele origin: germline.

Genetics and Molecular Pathology, SA Pathology
Classification: Likely pathogenic for Familial hemophagocytic lymphohistiocytosis 5. Last evaluated: 2021-09-03. Review status: criteria provided, single submitter. Criteria: ACMG Guidelines, 2015. Collection method: clinical testing. Allele origin: germline. Inheritance: Autosomal recessive inheritance. Affected: yes.

Mendelics
Classification: Pathogenic for Familial hemophagocytic lymphohistiocytosis 5. Last evaluated: 2019-05-28. Review status: criteria provided, single submitter. Criteria: Mendelics Assertion Criteria 2017. Collection method: clinical testing. Allele origin: unknown.

PreventionGenetics, part of Exact Sciences
Classification: Pathogenic for STXBP2-related condition. Last evaluated: 2024-06-28. Review status: no assertion criteria provided. Collection method: clinical testing. Allele origin: germline. Not counted in ClinVar's aggregate classification.
Comment: The STXBP2 c.1621G>A variant is predicted to result in the amino acid substitution p.Gly541Ser. This variant was reported in the homozygous state in a patient with familial hemophagocytic lymphohistiocytosis (FHL) who lacked variants in the PRF1, UNC13D, and STX11 genes (Cetica et al. 2010. PubMed ID: 20798128). It has also been reported along with a second STXBP2 variant in other patients with FHL (Meeths et al. 2010. PubMed ID: 20558610; Rohr et al. 2010. PubMed ID: 20823128). Functional data in Cetica et al. suggest the p.Gly541Ser substitution affects binding of the STXBP2 protein to its effectors. This variant is reported in 0.047% of alleles in individuals of European (Non-Finnish) descent in gnomAD. It has been interpreted as pathogenic by multiple submitters to ClinVar. Taken together, this variant is interpreted as pathogenic.

OMIM
Classification: Pathogenic for HEMOPHAGOCYTIC LYMPHOHISTIOCYTOSIS, FAMILIAL, 5, WITH OR WITHOUT MICROVILLUS INCLUSION DISEASE. Last evaluated: 2010-09-01. Review status: no assertion criteria provided. Collection method: literature only. Allele origin: germline. Not counted in ClinVar's aggregate classification.

Literature cited by the submitters: PubMed 20558610 (cited by 3 submitters); PubMed 20798128 (cited by 6 submitters); PubMed 20823128 (cited by 3 submitters); PubMed 24194549 (cited by Labcorp Genetics (formerly Invitae), Labcorp); PubMed 22451424 (cited by 3 submitters); PubMed 31664448 (cited by Dasa); PubMed 31807395 (cited by Dasa).